The following is an entry in ClinVar:

NM_001166114.2(PNPLA6):c.2293C>G (p.Leu765Val)

Gene: PNPLA6 (patatin like domain 6, lysophospholipase; plus strand). Cytogenetic location: 19p13.2.
Variant type: single nucleotide variant.
Coding change: c.2293C>G on transcript NM_001166114.2 (MANE Select); coding-DNA position 2293, C replaced by G.
Protein change: p.Leu765Val; replaces leucine 765 with valine.
Molecular consequence: missense variant.
Genome position (GRCh38, 1-based): chr19:7,553,907, C>G. VCF-style: chr19-7553907-C-G. GRCh37 (hg19) VCF-style: chr19-7618793-C-G.
Other names: c.2323C>G, p.Leu775Val (NM_001166111.2); c.2098C>G, p.Leu700Val (NM_001166112.2); c.2179C>G, p.Leu727Val (NM_001166113.1, NM_006702.5); short protein forms L727V, L775V, L700V, L765V.
Identifiers: ClinVar variation 1520381 (VCV001520381.6), dbSNP rs1374962353, ClinGen allele CA403126422.
Genomic context (GRCh38, chr19:7,553,907, plus strand): 5'-CAAATCTCATCCATTGGGTTCTTAGCAGGCTCTGGGTTGGGTGTGCCCCCACACTCGGAA[C>G]TCACCAACCCAGCCAGCAACCTGGCAACTGTGGCAATCCTGCCTGTGTGTGCTGAGGTCC-3'
Protein context (NP_001159586.1, residues 755-775): SGLGVPPHSE[Leu765Val]TNPASNLATV

ClinVar aggregate classification (germline): Uncertain significance (1 of 4 stars; one submission).

Conditions:
Hereditary spastic paraplegia 39 (SPG39). Also called: Spastic Paraplegia Type 39 (SPG39); SPASTIC PARAPLEGIA 39, AUTOSOMAL RECESSIVE. Identifiers: Orphanet 139480, MedGen C2677586, MONDO:0012787, OMIM 612020.

Submission:

Labcorp Genetics (formerly Invitae), Labcorp
Classification: Uncertain significance for Hereditary spastic paraplegia 39. Last evaluated: 2022-10-17. Review status: criteria provided, single submitter. Criteria: Invitae Variant Classification Sherloc (09022015). Collection method: clinical testing. Allele origin: germline.
Comment: This variant is not present in population databases (gnomAD no frequency). In summary, the available evidence is currently insufficient to determine the role of this variant in disease. Therefore, it has been classified as a Variant of Uncertain Significance. Advanced modeling of protein sequence and biophysical properties (such as structural, functional, and spatial information, amino acid conservation, physicochemical variation, residue mobility, and thermodynamic stability) performed at Invitae indicates that this missense variant is not expected to disrupt PNPLA6 protein function. ClinVar contains an entry for this variant (Variation ID: 1520381). This variant has not been reported in the literature in individuals affected with PNPLA6-related conditions. This sequence change replaces leucine, which is neutral and non-polar, with valine, which is neutral and non-polar, at codon 727 of the PNPLA6 protein (p.Leu727Val).